The following is an entry in ClinVar:

NM_000089.4(COL1A2):c.693+3A>T

Gene: COL1A2 (collagen type I alpha 2 chain; plus strand). Cytogenetic location: 7q21.3.
Variant type: single nucleotide variant.
Coding change: c.693+3A>T on transcript NM_000089.4 (MANE Select); 3 bases into the intron after coding-DNA position 693, A replaced by T.
Molecular consequence: intron variant.
Genome position (GRCh38, 1-based): chr7:94,408,239, A>T. VCF-style: chr7-94408239-A-T. GRCh37 (hg19) VCF-style: chr7-94037551-A-T.
Identifiers: ClinVar variation 2575558 (VCV002575558.1), dbSNP rs2484705749, ClinGen allele CA2580615934.

ClinVar aggregate classification (germline): Uncertain significance (1 of 4 stars; one submission).

Submission:

GeneDx
Classification: Uncertain significance. Last evaluated: 2023-02-07. Review status: criteria provided, single submitter. Criteria: GeneDx Variant Classification Process June 2021. Collection method: clinical testing. Allele origin: germline. Affected: yes.
Comment: Not observed at significant frequency in large population cohorts (gnomAD); In silico analysis supports a deleterious effect on splicing; Has not been previously published as pathogenic or benign to our knowledge